The following is an entry in ClinVar:

NM_001113491.2(SEPTIN9):c.892G>C (p.Glu298Gln)

Gene: SEPTIN9 (septin 9; plus strand). Cytogenetic location: 17q25.3.
Variant type: single nucleotide variant.
Coding change: c.892G>C on transcript NM_001113491.2 (MANE Select); coding-DNA position 892, G replaced by C.
Protein change: p.Glu298Gln; replaces glutamic acid 298 with glutamine.
Molecular consequence: missense variant.
Genome position (GRCh38, 1-based): chr17:77,482,314, G>C. VCF-style: chr17-77482314-G-C. GRCh37 (hg19) VCF-style: chr17-75478396-G-C.
Other names: c.400G>C, p.Glu134Gln (NM_001113492.2, NM_001113494.1); c.871G>C, p.Glu291Gln (NM_001113493.2); c.139G>C, p.Glu47Gln (NM_001113495.2, NM_001113496.2, NM_001293697.2 and 1 more transcripts); c.835G>C, p.Glu279Gln (NM_001293695.2); c.220G>C, p.Glu74Gln (NM_001293696.2); c.838G>C, p.Glu280Gln (NM_006640.5); short protein forms E134Q, E279Q, E280Q, E291Q, E298Q, E47Q, E74Q.
Identifiers: ClinVar variation 3621233 (VCV003621233.2).

ClinVar aggregate classification (germline): Uncertain significance (1 of 4 stars; one submission).

gnomAD v4.1: 7 of 1,612,728 alleles (0.00043%); highest among the groups gnomAD compares: African/African-American, 0.008%; no homozygotes.

Submission:

Labcorp Genetics (formerly Invitae), Labcorp
Classification: Uncertain significance. Last evaluated: 2024-12-05. Review status: criteria provided, single submitter. Criteria: Invitae Variant Classification Sherloc (09022015). Collection method: clinical testing. Allele origin: germline.
Comment: This sequence change replaces glutamic acid, which is acidic and polar, with glutamine, which is neutral and polar, at codon 280 of the SEPT9 protein (p.Glu280Gln). This variant is present in population databases (no rsID available, gnomAD 0.01%). This variant has not been reported in the literature in individuals affected with SEPT9-related conditions. Invitae Evidence Modeling of protein sequence and biophysical properties (such as structural, functional, and spatial information, amino acid conservation, physicochemical variation, residue mobility, and thermodynamic stability) indicates that this missense variant is not expected to disrupt SEPT9 protein function with a negative predictive value of 80%. In summary, the available evidence is currently insufficient to determine the role of this variant in disease. Therefore, it has been classified as a Variant of Uncertain Significance.